The following is an entry in ClinVar:

ClinVar aggregate classification (germline): Uncertain significance (1 of 4 stars; one submission).

gnomAD v4.1: 12 of 1,610,900 alleles (0.00074%); highest among the groups gnomAD compares: East Asian, 0.013%; no homozygotes.

Submission:

Labcorp Genetics (formerly Invitae), Labcorp
Classification: Uncertain significance. Last evaluated: 2024-12-12. Review status: criteria provided, single submitter. Criteria: Invitae Variant Classification Sherloc (09022015). Collection method: clinical testing. Allele origin: germline.
Comment: This sequence change replaces valine, which is neutral and non-polar, with isoleucine, which is neutral and non-polar, at codon 104 of the POMP protein (p.Val104Ile). This variant is present in population databases (rs764723253, gnomAD 0.01%). This variant has not been reported in the literature in individuals affected with POMP-related conditions. An algorithm developed to predict the effect of missense changes on protein structure and function outputs the following: PolyPhen-2: "Benign". The isoleucine amino acid residue is found in multiple mammalian species, which suggests that this missense change does not adversely affect protein function. In summary, the available evidence is currently insufficient to determine the role of this variant in disease. Therefore, it has been classified as a Variant of Uncertain Significance.

NM_015932.6(POMP):c.310G>A (p.Val104Ile)

Gene: POMP (proteasome maturation protein; plus strand). Cytogenetic location: 13q12.3.
Variant type: single nucleotide variant.
Coding change: c.310G>A on transcript NM_015932.6 (MANE Select); coding-DNA position 310, G replaced by A.
Protein change: p.Val104Ile; replaces valine 104 with isoleucine.
Molecular consequence: missense variant.
Genome position (GRCh38, 1-based): chr13:28,672,384, G>A. VCF-style: chr13-28672384-G-A. GRCh37 (hg19) VCF-style: chr13-29246521-G-A.
Other names: short protein forms V104I.
Identifiers: ClinVar variation 3613792 (VCV003613792.2).
Genomic context (GRCh38, chr13:28,672,384, plus strand): 5'-TACTTTTCCCCAAAGGTTCAGCGTCTTCCATTTCTTTCAAGCTCAAATCTTTCACTGGAT[G>A]TTTTGAGGGGTAATGATGAGACTATTGGATTTGAGGATATTCTTAATGGTAAGTGTCATT-3'
Protein context (NP_057016.1, residues 94-114): FLSSSNLSLD[Val104Ile]LRGNDETIGF